The following is an entry in ClinVar:

NM_006440.5(TXNRD2):c.337T>C (p.Tyr113His)

Gene: TXNRD2 (thioredoxin reductase 2; minus strand). Cytogenetic location: 22q11.21.
Variant type: single nucleotide variant.
Coding change: c.337T>C on transcript NM_006440.5 (MANE Select); coding-DNA position 337, T replaced by C.
Protein change: p.Tyr113His; replaces tyrosine 113 with histidine.
Molecular consequence: missense variant. On other transcripts: non-coding transcript variant (1).
Genome position (GRCh38, 1-based): chr22:19,918,897, A>G on the plus strand (T>C on the coding strand, the complement: TXNRD2 is on the minus strand). VCF-style: chr22-19918897-A-G. GRCh37 (hg19) VCF-style: chr22-19906420-A-G.
Other names: c.337T>C, p.Tyr113His (NM_001282512.3); c.334T>C, p.Tyr112His (NM_001352300.2); c.247T>C, p.Tyr83His (NM_001352301.2); c.49T>C, p.Tyr17His (NM_001352302.2); c.241T>C, p.Tyr81His (NM_001352303.2); c.337T>C (NM_006440.3); short protein forms Y113H, Y112H, Y17H, Y83H, Y81H.
Identifiers: ClinVar variation 222883 (VCV000222883.7), dbSNP rs869025560, ClinGen allele CA351852.

ClinVar aggregate classification (germline): Uncertain significance. Review status: criteria provided, multiple submitters, no conflicts (2 of 4 stars). 2 submissions from 2 submitters: Uncertain significance (2). Last evaluated 2025-11-22.

Conditions:
Cardiovascular phenotype. Identifiers: MedGen CN230736.
Primary dilated cardiomyopathy (DCM). Also called: Dilated Cardiomyopathy. Identifiers: Orphanet 217604, MedGen C0007193, MeSH D002311, MONDO:0005021, HP:0001644. Inheritance: Various modes of inheritance.

Allele frequency attached by ClinVar (database versions not stated): gnomAD exomes below 0.00001; TOPMed below 0.00001.
gnomAD v4.1: 1 of 1,612,400 alleles (0.000062%); highest among the groups gnomAD compares: Non-Finnish European, 0.000085%; no homozygotes.

Submissions (2):

Ambry Genetics
Classification: Uncertain significance for Cardiovascular phenotype. Last evaluated: 2025-11-22. Review status: criteria provided, single submitter. Criteria: Ambry Variant Classification Scheme 2023. Collection method: clinical testing. Allele origin: germline.
Comment: The p.Y113H variant (also known as c.337T>C), located in coding exon 4 of the TXNRD2 gene, results from a T to C substitution at nucleotide position 337. The tyrosine at codon 113 is replaced by histidine, an amino acid with similar properties. This amino acid position is conserved. In addition, the in silico prediction for this alteration is inconclusive. Since supporting evidence is limited at this time, the clinical significance of this alteration remains unclear.

Labcorp Genetics (formerly Invitae), Labcorp
Classification: Uncertain significance for Primary dilated cardiomyopathy. Last evaluated: 2023-04-25. Review status: criteria provided, single submitter. Criteria: Invitae Variant Classification Sherloc (09022015). Collection method: clinical testing. Allele origin: germline.
Comment: Advanced modeling of protein sequence and biophysical properties (such as structural, functional, and spatial information, amino acid conservation, physicochemical variation, residue mobility, and thermodynamic stability) performed at Invitae indicates that this missense variant is not expected to disrupt TXNRD2 protein function. In summary, the available evidence is currently insufficient to determine the role of this variant in disease. Therefore, it has been classified as a Variant of Uncertain Significance. ClinVar contains an entry for this variant (Variation ID: 222883). This variant has not been reported in the literature in individuals affected with TXNRD2-related conditions. This variant is present in population databases (no rsID available, gnomAD 0.0009%). This sequence change replaces tyrosine, which is neutral and polar, with histidine, which is basic and polar, at codon 113 of the TXNRD2 protein (p.Tyr113His).